The following is an entry in ClinVar:

NM_007254.4(PNKP):c.407C>T (p.Pro136Leu)

Gene: PNKP (polynucleotide kinase 3'-phosphatase; minus strand). Cytogenetic location: 19q13.33.
Variant type: single nucleotide variant.
Coding change: c.407C>T on transcript NM_007254.4 (MANE Select); coding-DNA position 407, C replaced by T.
Protein change: p.Pro136Leu; replaces proline 136 with leucine.
Molecular consequence: missense variant.
Genome position (GRCh38, 1-based): chr19:49,865,218, G>A on the plus strand (C>T on the coding strand, the complement: PNKP is on the minus strand). VCF-style: chr19-49865218-G-A. GRCh37 (hg19) VCF-style: chr19-50368475-G-A.
Other names: p.P136L:CCG>CTG; short protein forms P136L.
Identifiers: ClinVar variation 206385 (VCV000206385.7), dbSNP rs11555414, ClinGen allele CA316450.

ClinVar aggregate classification (germline): Uncertain significance. Review status: criteria provided, multiple submitters, no conflicts (2 of 4 stars). 2 submissions from 2 submitters: Uncertain significance (2). Last evaluated 2022-09-13.

Conditions:
Developmental and epileptic encephalopathy, 12 (DEE12). Identifiers: MedGen C3150988, MONDO:0013389, OMIM 613722.

Allele frequency attached by ClinVar (database versions not stated): gnomAD 0.00005 and 0.00006; ExAC 0.00006; TOPMed 0.00009; ESP Exome Variant Server 0.00015.
gnomAD v4.1: 17 of 1,614,002 alleles (0.0011%); highest among the groups gnomAD compares: African/African-American, 0.012%; no homozygotes.

Submissions (2):

Labcorp Genetics (formerly Invitae), Labcorp
Classification: Uncertain significance for Developmental and epileptic encephalopathy, 12. Last evaluated: 2022-09-13. Review status: criteria provided, single submitter. Criteria: Invitae Variant Classification Sherloc (09022015). Collection method: clinical testing. Allele origin: germline.
Comment: This sequence change replaces proline, which is neutral and non-polar, with leucine, which is neutral and non-polar, at codon 136 of the PNKP protein (p.Pro136Leu). This variant is present in population databases (rs11555414, gnomAD 0.01%). This variant has not been reported in the literature in individuals affected with PNKP-related conditions. ClinVar contains an entry for this variant (Variation ID: 206385). Advanced modeling of protein sequence and biophysical properties (such as structural, functional, and spatial information, amino acid conservation, physicochemical variation, residue mobility, and thermodynamic stability) performed at Invitae indicates that this missense variant is not expected to disrupt PNKP protein function. In summary, the available evidence is currently insufficient to determine the role of this variant in disease. Therefore, it has been classified as a Variant of Uncertain Significance.

GeneDx
Classification: Uncertain significance. Last evaluated: 2014-04-02. Review status: criteria provided, single submitter. Criteria: GeneDx Variant Classification (06012015). Collection method: clinical testing. Allele origin: germline. Affected: yes.
Comment: p.Pro136Leu (CCG>CTG): c.407 C>T in exon 4 of the PNKP gene (NM_007254.2) A variant of unknown significance has been identified in the PNKP gene. The P136L variant has not been published as a mutation, nor has it been reported as a benign polymorphism to our knowledge. The P136L variant was not observed with any significant frequency in approximately 2,200 individuals of African American ancestry in the NHLBI Exome Sequencing Project. The P136L variant is semi-conservative amino acid substitution, which may impact secondary protein structure as these residues differ in some properties. However, this substitution occurs at a position that is not conserved across species and in silico analysis predicts this variant likely does not alter the protein structure/function. Furthermore, no missense mutations in nearby residues have been reported in association with epilepsy. Therefore, based on the currently available information, it is unclear whether this variant is a pathogenic mutation or a rare benign variant.The variant is found in INFANT-EPI,EPILEPSY panel(s).